The following is an entry in ClinVar:

NM_014297.5(ETHE1):c.*55G>T

Gene: ETHE1 (ETHE1 persulfide dioxygenase; minus strand). Cytogenetic location: 19q13.31.
Variant type: single nucleotide variant.
Coding change: c.*55G>T on transcript NM_014297.5 (MANE Select); 55 bases downstream of the stop codon, G replaced by T.
Molecular consequence: 3 prime UTR variant.
Genome position (GRCh38, 1-based): chr19:43,506,795, C>A on the plus strand (G>T on the coding strand, the complement: ETHE1 is on the minus strand). VCF-style: chr19-43506795-C-A. GRCh37 (hg19) VCF-style: chr19-44010947-C-A.
Other names: c.*55G>T (NM_001320867.2, NM_001320868.2, NM_001320869.2).
Identifiers: ClinVar variation 329439 (VCV000329439.10), dbSNP rs201842186, ClinGen allele CA10652049.
Genomic context (GRCh38, chr19:43,506,795, plus strand): 5'-TTTATTTAGGGAGCTCCAGGGAATGCGGTGGGAAAGGAGAGGTGCAGTGTCATTGCCGCC[C>A]TCTCCTCCCACCTAGTGCATTAATAGTGGATGGGAGCATCTGACAGAAGTGAGATCAGGC-3'

ClinVar aggregate classification (germline): Benign. Review status: reviewed by expert panel (3 of 4 stars). 4 submissions from 4 submitters: Benign (1). 3 of the submissions do not count toward it. Last evaluated 2020-08-18.

Conditions:
Ethylmalonic encephalopathy (EE). Also called: EPEMA syndrome; Encephalopathy, petechiae, and ethylmalonic aciduria; Syndrome of encephalopathy, petechiae, and ethylmalonic aciduria. Identifiers: Orphanet 51188, MedGen C1865349, MONDO:0011229, OMIM 602473. Disease mechanism: loss of function.

Allele frequency attached by ClinVar (database versions not stated): TOPMed 0.00133; gnomAD 0.00160; ESP Exome Variant Server 0.00175; 1000 Genomes Project 0.00180; 1000 Genomes Project 30x 0.00187.
gnomAD v4.1: 3,330 of 1,536,292 alleles (0.22%); highest among the groups gnomAD compares: Middle Eastern, 1.4%; 17 homozygotes.

Submissions (4):

ClinGen Mitochondrial Disease Nuclear and Mitochondrial  Variant Curation Expert Panel, ClinGen
Classification: Benign for Ethylmalonic encephalopathy. Last evaluated: 2020-08-18. Review status: reviewed by expert panel. Criteria: clingen mito disease acmg specifications v1-1. Collection method: curation. Allele origin: germline. Inheritance: Autosomal recessive inheritance.
Comment: The filtering allele frequency of the c.55G>T variant in the ETHE1 gene is >0.7% by the Exome Aggregation Consortium, which is a high enough frequency to be classified as benign based on thresholds defined by the ClinGen Mito Variant Curation Expert Panel (BA1)

Genome-Nilou Lab
Classification: Uncertain significance for Ethylmalonic encephalopathy. Last evaluated: 2021-05-18. Review status: criteria provided, single submitter. Criteria: ACMG Guidelines, 2015. Collection method: clinical testing. Allele origin: germline. Affected: no. Not counted in ClinVar's aggregate classification.

Illumina Laboratory Services, Illumina
Classification: Uncertain significance for Ethylmalonic encephalopathy. Last evaluated: 2018-01-13. Review status: criteria provided, single submitter. Criteria: ICSL Variant Classification Criteria 13 December 2019. Collection method: clinical testing. Allele origin: germline. Not counted in ClinVar's aggregate classification.

Breakthrough Genomics
Classification: Benign. Review status: criteria provided, single submitter. Criteria: ACMG Guidelines, 2015. Collection method: not provided. Allele origin: germline. Inheritance: Autosomal recessive inheritance. Affected: yes. Not counted in ClinVar's aggregate classification.